The following is an entry in ClinVar:

ClinVar aggregate classification (germline): Benign/Likely benign. Review status: criteria provided, multiple submitters, no conflicts (2 of 4 stars). 4 submissions from 4 submitters: Benign (1); Likely benign (3). Last evaluated 2025-12-03.

Conditions:
Hereditary cancer-predisposing syndrome. Also called: Hereditary neoplastic syndrome; Hereditary Cancer Syndrome; Tumor predisposition; Neoplastic Syndromes, Hereditary. Identifiers: Orphanet 140162, MedGen C0027672, MeSH D009386, MONDO:0015356.
Renal cell carcinoma. Identifiers: Orphanet 217071, MedGen C0007134, MeSH D002292, MONDO:0005086, HP:0005584.
Papillary renal cell carcinoma type 1 (RCCP1). Also called: RENAL CELL CARCINOMA, PAPILLARY, 1, SOMATIC; Renal adenocarcinoma; Renal cell carcinoma 1; Renal cell carcinoma, somatic. Identifiers: Orphanet 47044, MedGen C1336839, OMIM 605074, HP:0011797.

Allele frequency attached by ClinVar (database versions not stated): gnomAD 0.00001; gnomAD exomes 0.00001 and 0.00003; ExAC 0.00004.
gnomAD v4.1: 10 of 1,614,044 alleles (0.00062%); highest among the groups gnomAD compares: Middle Eastern, 0.016%; no homozygotes.

Submissions (4):

Labcorp Genetics (formerly Invitae), Labcorp
Classification: Likely benign for Renal cell carcinoma. Last evaluated: 2025-12-03. Review status: criteria provided, single submitter. Criteria: Invitae Variant Classification Sherloc (09022015). Collection method: clinical testing. Allele origin: germline.

Myriad Genetics, Inc.
Classification: Benign for Papillary renal cell carcinoma type 1. Last evaluated: 2024-11-07. Review status: criteria provided, single submitter. Criteria: Myriad Autosomal Dominant, Autosomal Recessive and X-Linked Classification Criteria (2023). Collection method: clinical testing. Allele origin: unknown.
Comment: This variant is considered benign. This variant is a silent/synonymous amino acid change and it is not expected to impact splicing.

Blueprint Genetics
Classification: Likely benign. Last evaluated: 2024-09-10. Review status: criteria provided, single submitter. Criteria: ACMG Guidelines, 2015. Collection method: clinical testing. Allele origin: germline.

Ambry Genetics
Classification: Likely benign for Hereditary cancer-predisposing syndrome. Last evaluated: 2021-05-11. Review status: criteria provided, single submitter. Criteria: Ambry Variant Classification Scheme 2023. Collection method: clinical testing. Allele origin: germline.

NM_000245.4(MET):c.1596C>T (p.Ala532=)

Gene: MET (MET proto-oncogene, receptor tyrosine kinase; plus strand). Cytogenetic location: 7q31.2.
Variant type: single nucleotide variant.
Coding change: c.1596C>T on transcript NM_000245.4 (MANE Select); coding-DNA position 1596, C replaced by T.
Protein change: p.Ala532=; no amino-acid change (alanine 532 retained).
Molecular consequence: synonymous variant.
Genome position (GRCh38, 1-based): chr7:116,740,920, C>T. VCF-style: chr7-116740920-C-T. GRCh37 (hg19) VCF-style: chr7-116380974-C-T.
Other names: c.1596C>T, p.Ala532= (NM_001127500.3, NM_001324401.3); c.306C>T, p.Ala102= (NM_001324402.2).
Identifiers: ClinVar variation 1143972 (VCV001143972.13), dbSNP rs746546046, ClinGen allele CA4448206.